The following is an entry in ClinVar:

NM_001378414.1(HDAC4):c.2844T>G (p.Leu948=)

Gene: HDAC4 (histone deacetylase 4; minus strand). Cytogenetic location: 2q37.3.
Variant type: single nucleotide variant.
Coding change: c.2844T>G on transcript NM_001378414.1 (MANE Select); coding-DNA position 2844, T replaced by G.
Protein change: p.Leu948=; no amino-acid change (leucine 948 retained).
Molecular consequence: synonymous variant.
Genome position (GRCh38, 1-based): chr2:239,068,514, A>C on the plus strand (T>G on the coding strand, the complement: HDAC4 is on the minus strand). VCF-style: chr2-239068514-A-C. GRCh37 (hg19) VCF-style: chr2-239990210-A-C.
Other names: c.2844T>G, p.Leu948= (NM_001378415.1); c.2829T>G, p.Leu943= (NM_001378416.1, NM_001378417.1, NM_006037.4); c.2763T>G, p.Leu921= (NM_001435991.1, NM_001435992.1); c.2685T>G, p.Leu895= (NM_001435993.1).
Identifiers: ClinVar variation 5041580 (VCV005041580.1).

ClinVar aggregate classification (germline): Likely benign (1 of 4 stars; one submission).

Submission:

CeGaT Center for Human Genetics Tuebingen
Classification: Likely benign. Last evaluated: 2026-09-01. Review status: criteria provided, single submitter. Criteria: CeGaT Center For Human Genetics Tuebingen Variant Classification Criteria Version 2. Collection method: clinical testing. Allele origin: germline. Affected: yes. Observed: 1 variant allele.
Comment: HDAC4: PM2:Supporting, BP4, BP7